The following is an entry in ClinVar:

NM_001005373.4(LRSAM1):c.1756T>A (p.Tyr586Asn)

Gene: LRSAM1 (leucine rich repeat and sterile alpha motif containing 1; plus strand). Cytogenetic location: 9q33.3.
Variant type: single nucleotide variant.
Coding change: c.1756T>A on transcript NM_001005373.4 (MANE Select); coding-DNA position 1756, T replaced by A.
Protein change: p.Tyr586Asn; replaces tyrosine 586 with asparagine.
Molecular consequence: missense variant. On other transcripts: non-coding transcript variant (2).
Genome position (GRCh38, 1-based): chr9:127,496,021, T>A. VCF-style: chr9-127496021-T-A. GRCh37 (hg19) VCF-style: chr9-130258300-T-A.
Other names: c.1756T>A, p.Tyr586Asn (NM_001005374.4, NM_001384142.1, NM_138361.5); c.1675T>A, p.Tyr559Asn (NM_001190723.3); c.1657T>A, p.Tyr553Asn (NM_001384143.1); c.967T>A, p.Tyr323Asn (NM_001384144.1); short protein forms Y559N, Y323N, Y553N, Y586N.
Identifiers: ClinVar variation 1779480 (VCV001779480.2), dbSNP rs1407198507, ClinGen allele CA374935753.

ClinVar aggregate classification (germline): Uncertain significance (1 of 4 stars; one submission).

Conditions:
Inborn genetic diseases. Identifiers: MedGen C0950123, MeSH D030342.

Submission:

Ambry Genetics
Classification: Uncertain significance for Inborn genetic diseases. Last evaluated: 2020-10-08. Review status: criteria provided, single submitter. Criteria: Ambry Variant Classification Scheme 2023. Collection method: clinical testing. Allele origin: germline.
Comment: The p.Y586N variant (also known as c.1756T>A), located in coding exon 21 of the LRSAM1 gene, results from a T to A substitution at nucleotide position 1756. The tyrosine at codon 586 is replaced by asparagine, an amino acid with dissimilar properties. This amino acid position is highly conserved in available vertebrate species. In addition, this alteration is predicted to be deleterious by in silico analysis. Since supporting evidence is limited at this time, the clinical significance of this alteration remains unclear.